The following is an entry in ClinVar:

ClinVar aggregate classification (germline): Uncertain significance (1 of 4 stars; one submission).

Conditions:
Coffin-Siris syndrome 11. Identifiers: MedGen C5241442, MONDO:0032912, OMIM 618779.

Submission:

Institute of Human Genetics, University of Goettingen
Classification: Uncertain significance for Coffin-Siris syndrome 11. Last evaluated: 2025-03-24. Review status: criteria provided, single submitter. Criteria: ACMG Guidelines, 2015. Collection method: clinical testing. Allele origin: germline. Observed: 1 heterozygote.
Comment: The inframe deletion was identified in the Het state in the SMARCD1 gene. This variant leads to p.Arg503del. In silico predictions for this variant are inconclusive. The conservation at this position is moderate. The splice prediction at this position is unknown. This variant has not been seen previously in our laboratory. The variant is absent from ClinVar, and absent from HGMD. This variant is reported in gnomAD (MAF 0). This variant is not present in the homozygous state in gnomAD. According to the ACMG guidelines, the variant is classified as Uncertain significance. Based on the above information, the variant is predicted to be VUS for this patient.

NM_003076.5(SMARCD1):c.1505GAC[1] (p.Arg503del)

Gene: SMARCD1 (SWI/SNF related BAF chromatin remodeling complex subunit D1; plus strand). Cytogenetic location: 12q13.12.
Variant type: Microsatellite.
Coding change: c.1505GAC[1] on transcript NM_003076.5 (MANE Select); one copy of the 3-base unit GAC starting at c.1505; the reference has two copies in a row; one copy, 3 bases deleted; also written c.1508_1510del.
Protein change: p.Arg503del; deletes arginine 503.
Molecular consequence: inframe deletion.
Genome position (GRCh38, 1-based): chr12:50,098,960-50,098,962, GAC deleted; deleting any 3 consecutive bases within chr12:50,098,957-50,098,962 gives the same sequence; the position shown is the placement nearest the transcript's 3' end. VCF-style (leftmost placement, unchanged base first): chr12-50098956-AGAC-A. GRCh37 (hg19) VCF-style: chr12-50492739-AGAC-A.
Other names: c.1382GAC[1], p.Arg462del (NM_139071.3); c.1508_1510del (NM_003076.5); short protein forms R462del, R503del.
Identifiers: ClinVar variation 3775082 (VCV003775082.1).